The following is an entry in ClinVar:

NM_006361.6(HOXB13):c.606C>T (p.Ser202=)

Gene: HOXB13 (homeobox B13; minus strand). Cytogenetic location: 17q21.32.
Variant type: single nucleotide variant.
Coding change: c.606C>T on transcript NM_006361.6 (MANE Select); coding-DNA position 606, C replaced by T.
Protein change: p.Ser202=; no amino-acid change (serine 202 retained).
Molecular consequence: synonymous variant.
Genome position (GRCh38, 1-based): chr17:48,727,039, G>A on the plus strand (C>T on the coding strand, the complement: HOXB13 is on the minus strand). VCF-style: chr17-48727039-G-A. GRCh37 (hg19) VCF-style: chr17-46804401-G-A.
Identifiers: ClinVar variation 826167 (VCV000826167.16), dbSNP rs370633734, ClinGen allele CA291349282.

ClinVar aggregate classification (germline): Benign/Likely benign. Review status: criteria provided, multiple submitters, no conflicts (2 of 4 stars). 4 submissions from 4 submitters: Benign (1); Likely benign (3). Last evaluated 2025-12-24.

Conditions:
Prostate cancer, hereditary, 9 (HPC9). Identifiers: Orphanet 1331, MedGen C1970250, MONDO:0012597, OMIM 610997.
Hereditary cancer-predisposing syndrome. Also called: Neoplastic Syndromes, Hereditary; Tumor predisposition; Hereditary neoplastic syndrome; Hereditary Cancer Syndrome. Identifiers: Orphanet 140162, MedGen C0027672, MeSH D009386, MONDO:0015356.

Allele frequency attached by ClinVar (database versions not stated): gnomAD exomes below 0.00001 and 0.00001; TOPMed 0.00002; gnomAD 0.00003 and 0.00004; ESP Exome Variant Server 0.00008.
gnomAD v4.1: 14 of 1,605,912 alleles (0.00087%); highest among the groups gnomAD compares: African/African-American, 0.004%; no homozygotes.

Submissions (4):

Labcorp Genetics (formerly Invitae), Labcorp
Classification: Likely benign. Last evaluated: 2025-12-24. Review status: criteria provided, single submitter. Criteria: Invitae Variant Classification Sherloc (09022015). Collection method: clinical testing. Allele origin: germline.

Myriad Genetics, Inc.
Classification: Benign for Prostate cancer, hereditary, 9. Last evaluated: 2024-10-30. Review status: criteria provided, single submitter. Criteria: Myriad Autosomal Dominant, Autosomal Recessive and X-Linked Classification Criteria (2023). Collection method: clinical testing. Allele origin: unknown.
Comment: This variant is considered benign. This variant is a silent/synonymous amino acid change and it is not expected to impact splicing.

GeneDx
Classification: Likely benign. Last evaluated: 2021-03-01. Review status: criteria provided, single submitter. Criteria: GeneDx Variant Classification Process June 2021. Collection method: clinical testing. Allele origin: germline. Affected: yes.

Ambry Genetics
Classification: Likely benign for Hereditary cancer-predisposing syndrome. Last evaluated: 2018-06-14. Review status: criteria provided, single submitter. Criteria: Ambry Variant Classification Scheme 2023. Collection method: clinical testing. Allele origin: germline.